The following is an entry in ClinVar:

ClinVar aggregate classification (germline): Uncertain significance (1 of 4 stars; one submission).

Allele frequency attached by ClinVar (database versions not stated): gnomAD exomes below 0.00001.

Submission:

Labcorp Genetics (formerly Invitae), Labcorp
Classification: Uncertain significance. Last evaluated: 2022-04-29. Review status: criteria provided, single submitter. Criteria: Invitae Variant Classification Sherloc (09022015). Collection method: clinical testing. Allele origin: germline.
Comment: This sequence change replaces methionine, which is neutral and non-polar, with valine, which is neutral and non-polar, at codon 1303 of the CAD protein (p.Met1303Val). In summary, the available evidence is currently insufficient to determine the role of this variant in disease. Therefore, it has been classified as a Variant of Uncertain Significance. Algorithms developed to predict the effect of missense changes on protein structure and function are either unavailable or do not agree on the potential impact of this missense change (SIFT: "Deleterious"; PolyPhen-2: "Benign"; Align-GVGD: "Class C0"). This variant has not been reported in the literature in individuals affected with CAD-related conditions. This variant is not present in population databases (gnomAD no frequency).

NM_004341.5(CAD):c.3907A>G (p.Met1303Val)

Gene: CAD (carbamoyl-phosphate synthetase 2, aspartate transcarbamylase, and dihydroorotase; plus strand). Cytogenetic location: 2p23.3.
Variant type: single nucleotide variant.
Coding change: c.3907A>G on transcript NM_004341.5 (MANE Select); coding-DNA position 3907, A replaced by G.
Protein change: p.Met1303Val; replaces methionine 1303 with valine.
Molecular consequence: missense variant.
Genome position (GRCh38, 1-based): chr2:27,235,365, A>G. VCF-style: chr2-27235365-A-G. GRCh37 (hg19) VCF-style: chr2-27458233-A-G.
Other names: c.3718A>G, p.Met1240Val (NM_001306079.2); short protein forms M1240V, M1303V.
Identifiers: ClinVar variation 1978148 (VCV001978148.5), dbSNP rs2465337347, ClinGen allele CA346217245.